The following is an entry in ClinVar:

NM_004329.3(BMPR1A):c.258AGA[2] (p.Glu88del)

Gene: BMPR1A (bone morphogenetic protein receptor type 1A; plus strand). Cytogenetic location: 10q23.2.
Variant type: Microsatellite.
Coding change: c.258AGA[2] on transcript NM_004329.3 (MANE Select); two copies in a row of the 3-base unit AGA starting at c.258; the reference has three copies in a row; one copy, 3 bases deleted.
Protein change: p.Glu88del; deletes glutamic acid 88.
Molecular consequence: inframe deletion.
Genome position (GRCh38, 1-based): chr10:86,892,160-86,892,162, AGA deleted; deleting any 3 consecutive bases within chr10:86,892,154-86,892,162 gives the same sequence; the position shown is the placement nearest the transcript's 3' end. VCF-style (leftmost placement, unchanged base first): chr10-86892153-TAGA-T. GRCh37 (hg19) VCF-style: chr10-88651910-TAGA-T.
Other names: c.264_266delAGA (NM_004329.2); short protein forms E88del.
Identifiers: ClinVar variation 231317 (VCV000231317.16), dbSNP rs876659086, ClinGen allele CA5585465.

ClinVar aggregate classification (germline): Uncertain significance. Review status: criteria provided, multiple submitters, no conflicts (2 of 4 stars). 4 submissions from 4 submitters: Uncertain significance (4). Last evaluated 2025-10-24.

Conditions:
Juvenile polyposis syndrome (JPS). Identifiers: Orphanet 2929, MedGen C0345893, MONDO:0017380, OMIM 174900.
Hereditary cancer-predisposing syndrome. Also called: Neoplastic Syndromes, Hereditary; Hereditary Cancer Syndrome; Tumor predisposition; Hereditary neoplastic syndrome. Identifiers: Orphanet 140162, MedGen C0027672, MeSH D009386, MONDO:0015356.
Inherited polyposis and early onset colorectal cancer - germline testing.

Submissions (4):

Cambridge Genomics Laboratory, East Genomic Laboratory Hub, NHS Genomic Medicine Service
Classification: Uncertain significance for Inherited polyposis and early onset colorectal cancer - germline testing. Last evaluated: 2025-10-24. Review status: criteria provided, single submitter. Criteria: ACGS Best Practice Guidelines for Variant Classification in Rare Disease 2020. Collection method: clinical testing. Allele origin: germline. Affected: yes.
Comment: PS4_Moderate,PM1_Supporting,PM2_Supporting,PM4_Supporting

Labcorp Genetics (formerly Invitae), Labcorp
Classification: Uncertain significance for Juvenile polyposis syndrome. Last evaluated: 2025-09-02. Review status: criteria provided, single submitter. Criteria: Invitae Variant Classification Sherloc (09022015). Collection method: clinical testing. Allele origin: germline.
Comment: This variant, c.264_266del, results in the deletion of 1 amino acid(s) of the BMPR1A protein (p.Glu88del), but otherwise preserves the integrity of the reading frame. This variant is present in population databases (rs771235294, gnomAD 0.0009%). This variant has been observed in individual(s) with colorectal cancer (PMID: 21640116). It has also been observed to segregate with disease in related individuals. Experimental studies and prediction algorithms are not available or were not evaluated, and the functional significance of this variant is currently unknown. In summary, the available evidence is currently insufficient to determine the role of this variant in disease. Therefore, it has been classified as a Variant of Uncertain Significance.

Ambry Genetics
Classification: Uncertain significance for Hereditary cancer-predisposing syndrome. Last evaluated: 2023-04-07. Review status: criteria provided, single submitter. Criteria: Ambry Variant Classification Scheme 2023. Collection method: clinical testing. Allele origin: germline.
Comment: The c.264_266delAGA variant (also known as p.E88del) is located in coding exon 3 of the BMPR1A gene. This variant results from an in-frame AGA deletion at nucleotide positions 264 to 266. This results in the in-frame deletion of a glutamate residue at codon 88. This alteration has been identified in a large family satisfying Amsterdam I criteria for HNPCC/Lynch syndome and segregated well with colorectal carcinomas and polyps in this family; however, none of the 264_266delAGA carriers presented with typical BMPR1A-associated juvenile polyposis (Nieminen TT et al. Gastroenterology 2011 Jul; 141(1):e23-6). This amino acid position is highly conserved in available vertebrate species. In addition, this alteration is predicted to be neutral by in silico analysis (Choi Y et al. PLoS ONE. 2012; 7(10):e46688). Since supporting evidence is limited at this time, the clinical significance of this alteration remains unclear.

Blueprint Genetics
Classification: Uncertain significance. Last evaluated: 2022-09-02. Review status: criteria provided, single submitter. Criteria: ACMG Guidelines, 2015. Collection method: clinical testing. Allele origin: germline.

Literature cited by the submitters: PubMed 21640116 (cited by Labcorp Genetics (formerly Invitae), Labcorp and Ambry Genetics).